The following is an entry in ClinVar:

ClinVar aggregate classification (germline): Uncertain significance. Review status: criteria provided, multiple submitters, no conflicts (2 of 4 stars). 3 submissions from 3 submitters: Uncertain significance (3). Last evaluated 2026-09-07.

Conditions:
Inborn genetic diseases. Identifiers: MedGen C0950123, MeSH D030342.

Allele frequency attached by ClinVar (database versions not stated): gnomAD exomes 0.00002 and 0.00010; ExAC 0.00009; 1000 Genomes Project 0.00020; gnomAD 0.00021 and 0.00023; TOPMed 0.00030; 1000 Genomes Project 30x 0.00031; ESP Exome Variant Server 0.00031.
gnomAD v4.1: 70 of 1,607,958 alleles (0.0044%); highest among the groups gnomAD compares: African/African-American, 0.051%; no homozygotes.

Submissions (3):

GeneDx
Classification: Uncertain significance. Last evaluated: 2026-09-07. Review status: criteria provided, single submitter. Criteria: GeneDx Variant Classification Process June 2021. Collection method: clinical testing. Allele origin: germline.
Comment: Has not been previously published as pathogenic or benign to our knowledge; In silico analysis suggests this variant may impact gene splicing. In the absence of RNA/functional studies, the actual effect of this sequence change is unknown.

Women's Health and Genetics/Laboratory Corporation of America, LabCorp
Classification: Uncertain significance. Last evaluated: 2026-06-08. Review status: criteria provided, single submitter. Criteria: LabCorp Variant Classification Summary - May 2015. Collection method: clinical testing. Allele origin: germline.
Comment: Variant summary: CIT c.4168+5G>A alters a nucleotide located close to a canonical splice site and therefore could affect mRNA splicing, leading to a significantly altered protein sequence. Several computational tools predict a significant impact on normal splicing: two predict the variant abolishes a 5' splicing donor site; two predict the variant weakens a 5' donor site. However, these predictions have yet to be confirmed by functional studies. The variant allele was found at a frequency of 9.7e-05 in 246608 control chromosomes. This frequency is not significantly higher than estimated for disease-causing variants in CIT, allowing no conclusion about variant significance. To our knowledge, no occurrence of c.4168+5G>A in individuals affected with CIT-related conditions and no experimental evidence demonstrating its impact on protein function have been reported. ClinVar contains an entry for this variant (Variation ID: 1320687). Based on the evidence outlined above, the variant was classified as uncertain significance.

Ambry Genetics
Classification: Uncertain significance for Inborn genetic diseases. Last evaluated: 2020-12-28. Review status: criteria provided, single submitter. Criteria: Ambry Variant Classification Scheme 2023. Collection method: clinical testing. Allele origin: germline.
Comment: The c.4168+5G>A intronic alteration consists of a G to A substitution 5 nucleotides after exon 32 (coding exon 31) in the CIT gene. In silico splice site analysis predicts that this alteration may result in the creation or strengthening of a novel splice donor site. Based on insufficient or conflicting evidence, the clinical significance of this alteration remains unclear.

NM_001206999.2(CIT):c.4168+5G>A

Gene: CIT (citron rho-interacting serine/threonine kinase; minus strand). Cytogenetic location: 12q24.23.
Variant type: single nucleotide variant.
Coding change: c.4168+5G>A on transcript NM_001206999.2 (MANE Select); 5 bases into the intron after coding-DNA position 4168, G replaced by A.
Molecular consequence: intron variant.
Genome position (GRCh38, 1-based): chr12:119,718,240, C>T on the plus strand (G>A on the coding strand, the complement: CIT is on the minus strand). VCF-style: chr12-119718240-C-T. GRCh37 (hg19) VCF-style: chr12-120156045-C-T.
Other names: c.4042+5G>A (NM_007174.3); c.4168+5G>A (NM_001206999.1).
Identifiers: ClinVar variation 1320687 (VCV001320687.7), dbSNP rs375381151, ClinGen allele CA6821321.